The following is an entry in ClinVar:

ClinVar aggregate classification (germline): Uncertain significance (1 of 4 stars; one submission).

Conditions:
Classic or attenuated familial adenomatous polyposis. Identifiers: MedGen CN372698, MONDO:0021057.

Submission:

All of Us Research Program, National Institutes of Health
Classification: Uncertain significance for Classic or attenuated familial adenomatous polyposis. Last evaluated: 2023-08-15. Review status: criteria provided, single submitter. Criteria: ACMG Guidelines, 2015. Collection method: clinical testing. Allele origin: germline. Inheritance: Autosomal dominant inheritance. Observed: 1 variant allele, 1 heterozygote.
Comment: This study involves interpretation of variants in research participants for the purpose of population health screening. Participant phenotype was not available at the time of variant classification. Additional details can be found in publication PMID: 35346344, PMCID: PMC8962531

NM_000038.6(APC):c.353T>C (p.Phe118Ser)

Gene: APC (APC regulator of WNT signaling pathway; plus strand). Cytogenetic location: 5q22.2.
Variant type: single nucleotide variant.
Coding change: c.353T>C on transcript NM_000038.6 (MANE Select); coding-DNA position 353, T replaced by C.
Protein change: p.Phe118Ser; replaces phenylalanine 118 with serine.
Molecular consequence: missense variant. On other transcripts: 5 prime UTR variant (4), non-coding transcript variant (2).
Genome position (GRCh38, 1-based): chr5:112,767,321, T>C. VCF-style: chr5-112767321-T-C. GRCh37 (hg19) VCF-style: chr5-112103018-T-C.
Other names: c.353T>C, p.Phe118Ser (NM_001127510.3, NM_001354895.2, NM_001354896.2 and 16 more transcripts); c.383T>C, p.Phe128Ser (NM_001127511.3, NM_001354897.2, NM_001354902.2 and 1 more transcripts); c.278T>C, p.Phe93Ser (NM_001354898.2, NM_001354904.2, NM_001407451.1); c.176T>C, p.Phe59Ser (NM_001354900.2, NM_001354901.2, NM_001354905.2 and 1 more transcripts); c.-683T>C (NM_001354906.2, NM_001407470.1, NM_001407471.1 and 1 more transcripts); short protein forms F118S, F128S, F59S, F93S.
Identifiers: ClinVar variation 3072526 (VCV003072526.1), dbSNP rs1756464913, ClinGen allele CA16022093.